The following is an entry in ClinVar:

ClinVar aggregate classification (germline): Uncertain significance (1 of 4 stars; one submission).

Conditions:
Dilated cardiomyopathy 1AA (CMD1AA). Also called: CARDIOMYOPATHY, DILATED, 1AA, WITH OR WITHOUT LEFT VENTRICULAR NONCOMPACTION; CARDIOMYOPATHY, FAMILIAL HYPERTROPHIC, 23, WITH OR WITHOUT LEFT VENTRICULAR NONCOMPACTION; Cardiomyopathy, dilated, 1AA, with or without LVNC. Identifiers: Orphanet 154, MedGen C2677338, MONDO:0012808, OMIM 612158.
Primary familial hypertrophic cardiomyopathy (HCM). Identifiers: Orphanet 99739, MedGen C0949658, MeSH D024741, MONDO:0024573. Inheritance: Various modes of inheritance.

gnomAD v4.1: 1 of 1,614,036 alleles (0.000062%); highest among the groups gnomAD compares: Admixed American, 0.0017%; no homozygotes.

Submission:

Labcorp Genetics (formerly Invitae), Labcorp
Classification: Uncertain significance for Primary familial hypertrophic cardiomyopathy; Dilated cardiomyopathy 1AA. Last evaluated: 2025-02-26. Review status: criteria provided, single submitter. Criteria: Invitae Variant Classification Sherloc (09022015). Collection method: clinical testing. Allele origin: germline.
Comment: This sequence change replaces asparagine, which is neutral and polar, with serine, which is neutral and polar, at codon 356 of the ACTN2 protein (p.Asn356Ser). This variant is present in population databases (rs747874677, gnomAD 0.0009%). This variant has not been reported in the literature in individuals affected with ACTN2-related conditions. Invitae Evidence Modeling of protein sequence and biophysical properties (such as structural, functional, and spatial information, amino acid conservation, physicochemical variation, residue mobility, and thermodynamic stability) has been performed for this missense variant. However, the output from this modeling did not meet the statistical confidence thresholds required to predict the impact of this variant on ACTN2 protein function. In summary, the available evidence is currently insufficient to determine the role of this variant in disease. Therefore, it has been classified as a Variant of Uncertain Significance.

NM_001103.4(ACTN2):c.1067A>G (p.Asn356Ser)

Gene: ACTN2 (actinin alpha 2; plus strand). Cytogenetic location: 1q43.
Variant type: single nucleotide variant.
Coding change: c.1067A>G on transcript NM_001103.4 (MANE Select); coding-DNA position 1067, A replaced by G.
Protein change: p.Asn356Ser; replaces asparagine 356 with serine.
Molecular consequence: missense variant. On other transcripts: non-coding transcript variant (1).
Genome position (GRCh38, 1-based): chr1:236,739,492, A>G. VCF-style: chr1-236739492-A-G. GRCh37 (hg19) VCF-style: chr1-236902792-A-G.
Other names: c.1067A>G, p.Asn356Ser (NM_001278343.2); short protein forms N356S.
Identifiers: ClinVar variation 4791463 (VCV004791463.1).
Genomic context (GRCh38, chr1:236,739,492, plus strand): 5'-AGGAGAAATGCCAGCTGGAGATCAACTTCAACACGCTGCAGACCAAGCTGCGGATCAGCA[A>G]CCGTCCTGCCTTCATGCCCTCCGAGGGCAAGATGGTGTCGGTGAGTAGCAAGCGCCAAGC-3'
Protein context (NP_001094.1, residues 346-366): NTLQTKLRIS[Asn356Ser]RPAFMPSEGK